The following is an entry in ClinVar:

NM_002386.4(MC1R):c.461G>A (p.Ser154Asn)

Gene: MC1R (melanocortin 1 receptor; plus strand). Cytogenetic location: 16q24.3.
Variant type: single nucleotide variant.
Coding change: c.461G>A on transcript NM_002386.4 (MANE Select); coding-DNA position 461, G replaced by A.
Protein change: p.Ser154Asn; replaces serine 154 with asparagine.
Molecular consequence: missense variant.
Genome position (GRCh38, 1-based): chr16:89,919,719, G>A. VCF-style: chr16-89919719-G-A. GRCh37 (hg19) VCF-style: chr16-89986127-G-A.
Other names: short protein forms S154N.
Identifiers: ClinVar variation 3543980 (VCV003543980.1).

ClinVar aggregate classification (germline): Uncertain significance (1 of 4 stars; one submission).

Submission:

Ambry Genetics
Classification: Uncertain significance. Last evaluated: 2024-11-28. Review status: criteria provided, single submitter. Criteria: Ambry Variant Classification Scheme 2023. Collection method: clinical testing. Allele origin: germline.
Comment: The p.S154N variant (also known as c.461G>A), located in coding exon 1 of the MC1R gene, results from a G to A substitution at nucleotide position 461. The serine at codon 154 is replaced by asparagine, an amino acid with highly similar properties. This amino acid position is conserved. In addition, this alteration is predicted to be tolerated by in silico analysis. Based on the available evidence, the clinical significance of this variant remains unclear.